The following is an entry in ClinVar:

NM_002473.6(MYH9):c.1280G>A (p.Arg427His)

Gene: MYH9 (myosin heavy chain 9; minus strand). Cytogenetic location: 22q12.3.
Variant type: single nucleotide variant.
Coding change: c.1280G>A on transcript NM_002473.6 (MANE Select); coding-DNA position 1280, G replaced by A.
Protein change: p.Arg427His; replaces arginine 427 with histidine.
Molecular consequence: missense variant.
Genome position (GRCh38, 1-based): chr22:36,316,617, C>T on the plus strand (G>A on the coding strand, the complement: MYH9 is on the minus strand). VCF-style: chr22-36316617-C-T. GRCh37 (hg19) VCF-style: chr22-36712662-C-T.
Other names: short protein forms R427H.
Identifiers: ClinVar variation 3629887 (VCV003629887.1).
Genomic context (GRCh38, chr22:36,316,617, plus strand): 5'-AAGGAGGCGCCCTGCCTCTTGGTCTTGTCCAGAGCCTTGTTGATGCGCAGCACCAGCCAG[C>T]GGAACATCCGCTCATAGGTCGCCTTGGCCAAGGCCTCGATGGCAAAGTCAGCCTGCGGGG-3'
Protein context (NP_002464.1, residues 417-437): LAKATYERMF[Arg427His]WLVLRINKAL

ClinVar aggregate classification (germline): Uncertain significance (1 of 4 stars; one submission).

gnomAD v4.1: 18 of 1,614,084 alleles (0.0011%); highest among the groups gnomAD compares: East Asian, 0.0045%; no homozygotes.

Submission:

Women's Health and Genetics/Laboratory Corporation of America, LabCorp
Classification: Uncertain significance. Last evaluated: 2024-11-01. Review status: criteria provided, single submitter. Criteria: LabCorp Variant Classification Summary - May 2015. Collection method: clinical testing. Allele origin: germline.
Comment: Variant summary: MYH9 c.1280G>A (p.Arg427His) results in a non-conservative amino acid change located in the Myosin head, motor domain-like (IPR001609) of the encoded protein sequence. Four of five in-silico tools predict a damaging effect of the variant on protein function. The variant allele was found at a frequency of 1.2e-05 in 251168 control chromosomes. The available data on variant occurrences in the general population are insufficient to allow any conclusion about variant significance. To our knowledge, no occurrence of c.1280G>A in individuals affected with Macrothrombocytopenia And Granulocyte Inclusions With Or Without Nephritis Or Sensorineural Hearing Loss and no experimental evidence demonstrating its impact on protein function have been reported. No submitters have cited clinical-significance assessments for this variant to ClinVar. Based on the evidence outlined above, the variant was classified as uncertain significance.